The following is an entry in ClinVar:

NM_001134831.2(AHI1):c.1171del (p.Tyr391fs)

Gene: AHI1 (Abelson helper integration site 1; minus strand). Cytogenetic location: 6q23.3.
Variant type: Deletion.
Coding change: c.1171del on transcript NM_001134831.2 (MANE Select); coding-DNA position 1171, one base deleted (T; older notation c.1171delT).
Protein change: p.Tyr391fs; shifts the reading frame from tyrosine 391.
Molecular consequence: frameshift variant.
Genome position (GRCh38, 1-based): chr6:135,455,907, A deleted on the plus strand (T on the coding strand, the reverse complement: AHI1 is on the minus strand); the first of 2 consecutive A bases (chr6:135,455,907-135,455,908); deleting either gives the same sequence. VCF-style (leftmost placement, unchanged base first): chr6-135455906-TA-T. GRCh37 (hg19) VCF-style: chr6-135777044-TA-T.
Other names: c.1171del, p.Tyr391fs (NM_017651.5, NM_001134830.2, NM_001134832.2 and 2 more transcripts); short protein forms Y391fs.
Identifiers: ClinVar variation 2820790 (VCV002820790.4), dbSNP rs2484884544, ClinGen allele CA2578748630.
Genomic context (GRCh38, chr6:135,455,906, plus strand): 5'-TTAAAATCATATGGCTGGGTCATAATAGGAAGAATATAATCCACATTCTCTTTTTCATAG[TA>T]AGATGAAACAGGCCGTCCACTGTACAAAAAAAGATACTTCCATTAACACAATTTTCATAA-3'

ClinVar aggregate classification (germline): Pathogenic. Review status: criteria provided, multiple submitters, no conflicts (2 of 4 stars). 2 submissions from 2 submitters: Pathogenic (2). Last evaluated 2025-06-03.

Conditions:
Joubert syndrome 3 (JBTS3). Also called: AHI1-related Ciliopathy. Identifiers: Orphanet 220493, MedGen C1837713, MONDO:0012078, OMIM 608629.
Joubert syndrome. Also called: JOUBERT-BOLTSHAUSER SYNDROME; Familial aplasia of the vermis. Identifiers: Orphanet 475, MedGen C5979921, MONDO:0018772.

Submissions (2):

Myriad Genetics, Inc.
Classification: Pathogenic for Joubert syndrome 3. Last evaluated: 2025-06-03. Review status: criteria provided, single submitter. Criteria: Myriad Autosomal Dominant, Autosomal Recessive and X-Linked Classification Criteria (2023). Collection method: clinical testing. Allele origin: unknown.
Comment: NM_001134831.1(AHI1):c.1171delT(Y391Tfs*14) is expected to be pathogenic in the context of Joubert syndrome, AHI1-related. This variant is predicted to lead to an abnormal or absent protein product due to the creation of a premature termination codon in AHI1, a gene where loss-of-function variants are known to be pathogenic. Please note: this variant was assessed in the context of healthy population screening.

Labcorp Genetics (formerly Invitae), Labcorp
Classification: Pathogenic for Joubert syndrome. Last evaluated: 2023-12-21. Review status: criteria provided, single submitter. Criteria: Invitae Variant Classification Sherloc (09022015). Collection method: clinical testing. Allele origin: germline.
Comment: This sequence change creates a premature translational stop signal (p.Tyr391Thrfs*14) in the AHI1 gene. It is expected to result in an absent or disrupted protein product. Loss-of-function variants in AHI1 are known to be pathogenic (PMID: 15322546, 16453322, 28442542, 29186038). This variant is not present in population databases (gnomAD no frequency). This variant has not been reported in the literature in individuals affected with AHI1-related conditions. For these reasons, this variant has been classified as Pathogenic.

Literature cited by the submitters: PubMed 15322546 (cited by Labcorp Genetics (formerly Invitae), Labcorp); PubMed 16453322 (cited by Labcorp Genetics (formerly Invitae), Labcorp); PubMed 28442542 (cited by Labcorp Genetics (formerly Invitae), Labcorp); PubMed 29186038 (cited by Labcorp Genetics (formerly Invitae), Labcorp).